The following is an entry in ClinVar:

ClinVar aggregate classification (germline): Benign (1 of 4 stars; one submission).

Conditions:
Neuropathy, hereditary sensory and autonomic, type 1C. Also called: HSAN IC; HSN IC. Identifiers: Orphanet 36386, MedGen C3150896, MONDO:0013337, OMIM 613640.

Allele frequency attached by ClinVar (database versions not stated): 1000 Genomes Project 0.00180; 1000 Genomes Project 30x 0.00203; gnomAD 0.00466; TOPMed 0.00497; gnomAD exomes 0.12500.
gnomAD v4.1: 723 of 152,284 alleles (0.47%); highest among the groups gnomAD compares: Admixed American, 1%; 2 homozygotes.

Submission:

Illumina Laboratory Services, Illumina
Classification: Benign for Neuropathy, hereditary sensory and autonomic, type 1C. Last evaluated: 2018-01-13. Review status: criteria provided, single submitter. Criteria: ICSL Variant Classification Criteria 13 December 2019. Collection method: clinical testing. Allele origin: germline.
Comment: This variant was observed in the ICSL laboratory as part of a predisposition screen in an ostensibly healthy population. It had not been previously curated by ICSL or reported in the Human Gene Mutation Database (HGMD: prior to June 1st, 2018), and was therefore a candidate for classification through an automated scoring system. Utilizing variant allele frequency, disease prevalence and penetrance estimates, and inheritance mode, an automated score was calculated to assess if this variant is too frequent to cause the disease. Based on the score and internal cut-off values, a variant classified as benign is not then subjected to further curation. The score for this variant resulted in a classification of benign for this disease.

NM_004863.4(SPTLC2):c.*4478C>A

Gene: SPTLC2 (serine palmitoyltransferase long chain base subunit 2; minus strand). Cytogenetic location: 14q24.3.
Variant type: single nucleotide variant.
Coding change: c.*4478C>A on transcript NM_004863.4 (MANE Select); 4478 bases downstream of the stop codon, C replaced by A.
Molecular consequence: 3 prime UTR variant.
Genome position (GRCh38, 1-based): chr14:77,507,806, G>T on the plus strand (C>A on the coding strand, the complement: SPTLC2 is on the minus strand). VCF-style: chr14-77507806-G-T. GRCh37 (hg19) VCF-style: chr14-77974149-G-T.
Identifiers: ClinVar variation 314588 (VCV000314588.5), dbSNP rs145218669, ClinGen allele CA10646349.